The following is an entry in ClinVar:

ClinVar aggregate classification (germline): Conflicting classifications of pathogenicity. Review status: criteria provided, conflicting classifications (1 of 4 stars). 9 submissions from 9 submitters: Uncertain significance (3); Benign (1); Likely benign (3). 2 of the submissions do not count toward it. Last evaluated 2026-03-01.

Conditions:
ABCA12-related disorder. Also called: ABCA12-related condition.
Congenital ichthyosis of skin. Identifiers: MedGen C0020758.
Autosomal recessive congenital ichthyosis 4A (LI2). Also called: ICHTHYOSIS CONGENITA IIB. Identifiers: Orphanet 313, MedGen C1832550, MONDO:0011026, OMIM 601277.
Autosomal recessive congenital ichthyosis 4B (ARCI4B). Also called: Ichthyosis, congenital, autosomal recessive 4B (harlequin); HARLEQUIN ICHTHYOSIS; ICHTHYOSIS CONGENITA, HARLEQUIN FETUS TYPE; Harlequin Fetus. Identifiers: Orphanet 457, MedGen C0598226, MONDO:0009443, OMIM 242500.

Allele frequency attached by ClinVar (database versions not stated): 1000 Genomes Project 0.00040; 1000 Genomes Project 30x 0.00047; ExAC 0.00096; gnomAD exomes 0.00108 and 0.00264; gnomAD 0.00137 and 0.00138; TOPMed 0.00160; ESP Exome Variant Server 0.00192.
gnomAD v4.1: 4,096 of 1,614,044 alleles (0.25%); highest among the groups gnomAD compares: Non-Finnish European, 0.32%; 3 homozygotes.

Submissions (9):

CeGaT Center for Human Genetics Tuebingen
Classification: Likely benign. Last evaluated: 2026-03-01. Review status: criteria provided, single submitter. Criteria: CeGaT Center For Human Genetics Tuebingen Variant Classification Criteria Version 2. Collection method: clinical testing. Allele origin: germline. Affected: yes. Observed: 1 variant allele.
Comment: ABCA12: BP4, BS1

Labcorp Genetics (formerly Invitae), Labcorp
Classification: Benign. Last evaluated: 2026-01-28. Review status: criteria provided, single submitter. Criteria: Invitae Variant Classification Sherloc (09022015). Collection method: clinical testing. Allele origin: germline.

Blueprint Genetics
Classification: Likely benign. Last evaluated: 2024-11-21. Review status: criteria provided, single submitter. Criteria: ACMG Guidelines, 2015. Collection method: clinical testing. Allele origin: germline.

Women's Health and Genetics/Laboratory Corporation of America, LabCorp
Classification: Likely benign. Last evaluated: 2023-02-17. Review status: criteria provided, single submitter. Criteria: LabCorp Variant Classification Summary - May 2015. Collection method: clinical testing. Allele origin: germline.
Comment: Variant summary: ABCA12 c.2033A>G (p.Asn678Ser) results in a conservative amino acid change in the encoded protein sequence. Four of four in-silico tools predict a benign effect of the variant on protein function. The variant allele was found at a frequency of 0.0011 in 251360 control chromosomes. The observed variant frequency is approximately 1.63 fold of the estimated maximal expected allele frequency for a pathogenic variant in ABCA12 causing Lamellar Ichthyosis phenotype (0.00066), suggesting that the variant is benign. c.2033A>G has been reported in the literature in individuals affected with Lamellar Ichthyosis and Posterior Segment Uveitis, without strong evidence for causality (Scott_2013, Li_2021). These reports do not provide unequivocal conclusions about association of the variant with Lamellar Ichthyosis. To our knowledge, no experimental evidence demonstrating an impact on protein function has been reported. Three clinical diagnostic laboratories have submitted clinical-significance assessments for this variant to ClinVar after 2014 without evidence for independent evaluation. Two submitters classified the variant as VUS while one classified as benign. Based on the evidence outlined above, the variant was classified as likely benign.

Fulgent Genetics
Classification: Uncertain significance for Autosomal recessive congenital ichthyosis 4B; Autosomal recessive congenital ichthyosis 4A. Last evaluated: 2021-12-14. Review status: criteria provided, single submitter. Criteria: ACMG Guidelines, 2015. Collection method: clinical testing. Allele origin: unknown.

Illumina Laboratory Services, Illumina
Classification: Uncertain significance for Congenital ichthyosis of skin. Last evaluated: 2018-01-13. Review status: criteria provided, single submitter. Criteria: ICSL Variant Classification Criteria 13 December 2019. Collection method: clinical testing. Allele origin: germline.

Breakthrough Genomics
Classification: Uncertain significance. Review status: criteria provided, single submitter. Criteria: ACMG Guidelines, 2015. Collection method: not provided. Allele origin: germline. Inheritance: Autosomal recessive inheritance. Affected: yes.

PreventionGenetics, part of Exact Sciences
Classification: Likely benign for ABCA12-related condition. Last evaluated: 2024-09-28. Review status: no assertion criteria provided. Collection method: clinical testing. Allele origin: germline. Not counted in ClinVar's aggregate classification.
Comment: This variant is classified as likely benign based on ACMG/AMP sequence variant interpretation guidelines (Richards et al. 2015 PMID: 25741868, with internal and published modifications).

Department of Pathology and Laboratory Medicine, Sinai Health System
Classification: Uncertain significance. Review status: no assertion criteria provided. Collection method: clinical testing. Allele origin: unknown. Affected: yes. Study: The Canadian Open Genetics Repository (COGR). Not counted in ClinVar's aggregate classification.
Comment: The ABCA12 p.Asn678Ser variant was identified in 1 of 28 proband chromosomes (frequency: 0.0357) in the compound heterozygous state from an individual with inherited ichthyoses (Scott_2013_PMID:22992804). The variant was identified in dbSNP (ID: rs147218173) and ClinVar (classified as VUS by Illumina for congenital ichthyosis) but was not identified in Cosmic or LOVD 3.0. The variant was identified in control databases in 305 of 282714 chromosomes at a frequency of 0.001079 increasing the likelihood this could be a low frequency benign variant (Genome Aggregation Database Feb 27, 2017). The variant was observed in the following populations: European (non-Finnish) in 256 of 129058 chromosomes (freq: 0.001984), Other in 14 of 7216 chromosomes (freq: 0.00194), Latino in 25 of 35434 chromosomes (freq: 0.000706), African in 8 of 24954 chromosomes (freq: 0.000321) and European (Finnish) in 2 of 25120 chromosomes (freq: 0.00008); it was not observed in the Ashkenazi Jewish, East Asian, and South Asian populations. The p.Asn678 residue is conserved in mammals but not in more distantly related organisms however computational analyses (PolyPhen-2, SIFT, AlignGVGD, BLOSUM, MutationTaster) do not suggest a high likelihood of impact to the protein; this information is not predictive enough to rule out pathogenicity. The variant occurs outside of the splicing consensus sequence and in silico or computational prediction software programs (SpliceSiteFinder, MaxEntScan, NNSPLICE, GeneSplicer) do not predict a difference in splicing. In summary, based on the above information the clinical significance of this variant cannot be determined with certainty at this time. This variant is classified as a variant of uncertain significance.

Literature cited by the submitters: PubMed 32707200 (cited by Women's Health and Genetics/Laboratory Corporation of America, LabCorp); PubMed 22992804 (cited by Women's Health and Genetics/Laboratory Corporation of America, LabCorp).

NM_173076.3(ABCA12):c.2033A>G (p.Asn678Ser)

Gene: ABCA12 (ATP binding cassette subfamily A member 12; minus strand). Cytogenetic location: 2q35.
Variant type: single nucleotide variant.
Coding change: c.2033A>G on transcript NM_173076.3 (MANE Select); coding-DNA position 2033, A replaced by G.
Protein change: p.Asn678Ser; replaces asparagine 678 with serine.
Molecular consequence: missense variant. On other transcripts: non-coding transcript variant (1).
Genome position (GRCh38, 1-based): chr2:215,012,059, T>C on the plus strand (A>G on the coding strand, the complement: ABCA12 is on the minus strand). VCF-style: chr2-215012059-T-C. GRCh37 (hg19) VCF-style: chr2-215876783-T-C.
Other names: c.1079A>G, p.Asn360Ser (NM_015657.4); short protein forms N678S, N360S.
Identifiers: ClinVar variation 334259 (VCV000334259.19), dbSNP rs147218173, ClinGen allele CA2092073.